The following is an entry in ClinVar:

NM_145290.4(ADGRA3):c.3046G>T (p.Ala1016Ser)

Gene: ADGRA3 (adhesion G protein-coupled receptor A3; minus strand). Cytogenetic location: 4p15.2.
Variant type: single nucleotide variant.
Coding change: c.3046G>T on transcript NM_145290.4 (MANE Select); coding-DNA position 3046, G replaced by T.
Protein change: p.Ala1016Ser; replaces alanine 1016 with serine.
Molecular consequence: missense variant.
Genome position (GRCh38, 1-based): chr4:22,388,625, C>A on the plus strand (G>T on the coding strand, the complement: ADGRA3 is on the minus strand). VCF-style: chr4-22388625-C-A. GRCh37 (hg19) VCF-style: chr4-22390248-C-A.
Other names: short protein forms A1016S.
Identifiers: ClinVar variation 1385053 (VCV001385053.6), dbSNP rs2108989407, ClinGen allele CA356474029.
Genomic context (GRCh38, chr4:22,388,625, plus strand): 5'-AACTTGTGGCTCCAAAAACGAAGCTAAAAACCAAGTCCAAAGGGTAATACAAAGAAACAG[C>A]CAAAGCCCCAAACATCCACAGTGCAACATATAAGAGCAAAGTAAGGCTGGCCCCCAAGAG-3'
Protein context (NP_660333.2, residues 1006-1026): YVALWMFGAL[Ala1016Ser]VSLYYPLDLV

ClinVar aggregate classification (germline): Uncertain significance (1 of 4 stars; one submission).

Submission:

Labcorp Genetics (formerly Invitae), Labcorp
Classification: Uncertain significance. Last evaluated: 2021-10-07. Review status: criteria provided, single submitter. Criteria: Invitae Variant Classification Sherloc (09022015). Collection method: clinical testing. Allele origin: germline.
Comment: In summary, the available evidence is currently insufficient to determine the role of this variant in disease. Therefore, it has been classified as a Variant of Uncertain Significance. Algorithms developed to predict the effect of missense changes on protein structure and function output the following: SIFT: "Tolerated"; PolyPhen-2: "Benign"; Align-GVGD: "Class C0". The serine amino acid residue is found in multiple mammalian species, which suggests that this missense change does not adversely affect protein function. This variant has not been reported in the literature in individuals affected with ADGRA3-related conditions. This variant is not present in population databases (ExAC no frequency). This sequence change replaces alanine with serine at codon 1016 of the ADGRA3 protein (p.Ala1016Ser). The alanine residue is highly conserved and there is a moderate physicochemical difference between alanine and serine.